The following is an entry in ClinVar:

NM_007192.4(SUPT16H):c.2245A>G (p.Thr749Ala)

Gene: SUPT16H (SPT16 homolog, facilitates chromatin remodeling subunit; minus strand). Cytogenetic location: 14q11.2.
Variant type: single nucleotide variant.
Coding change: c.2245A>G on transcript NM_007192.4 (MANE Select); coding-DNA position 2245, A replaced by G.
Protein change: p.Thr749Ala; replaces threonine 749 with alanine.
Molecular consequence: missense variant.
Genome position (GRCh38, 1-based): chr14:21,359,540, T>C on the plus strand (A>G on the coding strand, the complement: SUPT16H is on the minus strand). VCF-style: chr14-21359540-T-C. GRCh37 (hg19) VCF-style: chr14-21827699-T-C.
Other names: short protein forms T749A.
Identifiers: ClinVar variation 1800887 (VCV001800887.1), dbSNP rs2503024694, ClinGen allele CA388862598.

ClinVar aggregate classification (germline): Uncertain significance (1 of 4 stars; one submission).

Submission:

GeneDx
Classification: Uncertain significance. Last evaluated: 2022-05-23. Review status: criteria provided, single submitter. Criteria: GeneDx Variant Classification Process June 2021. Collection method: clinical testing. Allele origin: germline. Affected: yes.
Comment: Has not been previously published as pathogenic or benign to our knowledge; Not observed at significant frequency in large population cohorts (gnomAD); In silico analysis supports that this missense variant has a deleterious effect on protein structure/function